The following is an entry in ClinVar:

ClinVar aggregate classification (germline): Uncertain significance. Review status: criteria provided, multiple submitters, no conflicts (2 of 4 stars). 3 submissions from 3 submitters: Uncertain significance (3). Last evaluated 2023-09-01.

Conditions:
Autosomal dominant limb-girdle muscular dystrophy type 1F (LGMDD2). Also called: Limb-girdle muscular dystrophy, type 1F; MUSCULAR DYSTROPHY, LIMB-GIRDLE, AUTOSOMAL DOMINANT 2. Identifiers: Orphanet 55595, MedGen C1842062, MONDO:0012034, OMIM 608423.

Allele frequency attached by ClinVar (database versions not stated): gnomAD 0.00001; gnomAD exomes 0.00001 and 0.00007; TOPMed 0.00001.
gnomAD v4.1: 105 of 1,614,060 alleles (0.0065%); highest among the groups gnomAD compares: Non-Finnish European, 0.0084%; no homozygotes.

Submissions (3):

CeGaT Center for Human Genetics Tuebingen
Classification: Uncertain significance. Last evaluated: 2023-09-01. Review status: criteria provided, single submitter. Criteria: CeGaT Center For Human Genetics Tuebingen Variant Classification Criteria Version 2. Collection method: clinical testing. Allele origin: germline. Affected: yes. Observed: 1 variant allele.
Comment: TNPO3: PM2:Supporting

Labcorp Genetics (formerly Invitae), Labcorp
Classification: Uncertain significance for Autosomal dominant limb-girdle muscular dystrophy type 1F. Last evaluated: 2021-05-13. Review status: criteria provided, single submitter. Criteria: Invitae Variant Classification Sherloc (09022015). Collection method: clinical testing. Allele origin: germline.
Comment: This sequence change replaces glutamine with arginine at codon 778 of the TNPO3 protein (p.Gln778Arg). The glutamine residue is moderately conserved and there is a small physicochemical difference between glutamine and arginine. This variant is not present in population databases (ExAC no frequency). This variant has not been reported in the literature in individuals with TNPO3-related conditions. Algorithms developed to predict the effect of missense changes on protein structure and function (SIFT, PolyPhen-2, Align-GVGD) all suggest that this variant is likely to be tolerated, but these predictions have not been confirmed by published functional studies and their clinical significance is uncertain. In summary, the available evidence is currently insufficient to determine the role of this variant in disease. Therefore, it has been classified as a Variant of Uncertain Significance.

Revvity Omics, Revvity
Classification: Uncertain significance for Autosomal dominant limb-girdle muscular dystrophy type 1F. Last evaluated: 2020-03-17. Review status: criteria provided, single submitter. Criteria: ACMG Guidelines, 2015. Collection method: clinical testing. Allele origin: germline.

NM_012470.4(TNPO3):c.2333A>G (p.Gln778Arg)

Gene: TNPO3 (transportin 3; minus strand). Cytogenetic location: 7q32.1.
Variant type: single nucleotide variant.
Coding change: c.2333A>G on transcript NM_012470.4 (MANE Select); coding-DNA position 2333, A replaced by G.
Protein change: p.Gln778Arg; replaces glutamine 778 with arginine.
Molecular consequence: missense variant. On other transcripts: non-coding transcript variant (18).
Genome position (GRCh38, 1-based): chr7:128,972,523, T>C on the plus strand (A>G on the coding strand, the complement: TNPO3 is on the minus strand). VCF-style: chr7-128972523-T-C. GRCh37 (hg19) VCF-style: chr7-128612577-T-C.
Other names: c.2333A>G (NM_012470.3); c.2141A>G, p.Gln714Arg (NM_001191028.3, NM_001382223.1); c.2435A>G, p.Gln812Arg (NM_001382216.1); c.2414A>G, p.Gln805Arg (NM_001382217.1); c.2333A>G, p.Gln778Arg (NM_001382218.1); c.2225A>G, p.Gln742Arg (NM_001382219.1); c.2192A>G, p.Gln731Arg (NM_001382220.1); c.2189A>G, p.Gln730Arg (NM_001382221.1); and 1 more; short protein forms Q731R, Q778R, Q714R, Q742R, Q812R, Q729R, Q805R, Q730R.
Identifiers: ClinVar variation 1477609 (VCV001477609.35), dbSNP rs1339666918, ClinGen allele CA369252579.